The following is an entry in ClinVar:

ClinVar aggregate classification (germline): Uncertain significance (1 of 4 stars; one submission).

Conditions:
Nemaline myopathy 2 (NEM2). Also called: Nemaline myopathy 2, autosomal recessive. Identifiers: MedGen C1850569, MONDO:0009725, OMIM 256030.

Submission:

Labcorp Genetics (formerly Invitae), Labcorp
Classification: Uncertain significance for Nemaline myopathy 2. Last evaluated: 2021-06-04. Review status: criteria provided, single submitter. Criteria: Invitae Variant Classification Sherloc (09022015). Collection method: clinical testing. Allele origin: germline.
Comment: This sequence change replaces glutamic acid with glutamine at codon 439 of the NEB protein (p.Glu439Gln). The glutamic acid residue is moderately conserved and there is a small physicochemical difference between glutamic acid and glutamine. This variant is not present in population databases (ExAC no frequency). This variant has not been reported in the literature in individuals with NEB-related conditions. Algorithms developed to predict the effect of missense changes on protein structure and function are either unavailable or do not agree on the potential impact of this missense change (SIFT: "Deleterious"; PolyPhen-2: "Not Available"; Align-GVGD: "Class C0"). In summary, the available evidence is currently insufficient to determine the role of this variant in disease. Therefore, it has been classified as a Variant of Uncertain Significance.

NM_001164508.2(NEB):c.1315G>C (p.Glu439Gln)

Gene: NEB (nebulin; minus strand). Cytogenetic location: 2q23.3.
Variant type: single nucleotide variant.
Coding change: c.1315G>C on transcript NM_001164508.2 (MANE Select); coding-DNA position 1315, G replaced by C.
Protein change: p.Glu439Gln; replaces glutamic acid 439 with glutamine.
Molecular consequence: missense variant.
Genome position (GRCh38, 1-based): chr2:151,697,400, C>G on the plus strand (G>C on the coding strand, the complement: NEB is on the minus strand). VCF-style: chr2-151697400-C-G. GRCh37 (hg19) VCF-style: chr2-152553914-C-G.
Other names: c.1315G>C, p.Glu439Gln (NM_001164507.2, NM_001271208.2, NM_004543.5); short protein forms E439Q.
Identifiers: ClinVar variation 1953413 (VCV001953413.2), dbSNP rs762220184, ClinGen allele CA348825657.